The following is an entry in ClinVar:

ClinVar aggregate classification (germline): Uncertain significance (1 of 4 stars; one submission).

Conditions:
Vici syndrome (VICIS). Identifiers: Orphanet 1493, MedGen C1855772, MONDO:0009452, OMIM 242840.

Submission:

Labcorp Genetics (formerly Invitae), Labcorp
Classification: Uncertain significance for Vici syndrome. Last evaluated: 2024-08-20. Review status: criteria provided, single submitter. Criteria: Invitae Variant Classification Sherloc (09022015). Collection method: clinical testing. Allele origin: germline.
Comment: This sequence change replaces isoleucine, which is neutral and non-polar, with threonine, which is neutral and polar, at codon 1698 of the EPG5 protein (p.Ile1698Thr). This variant is not present in population databases (gnomAD no frequency). This variant has not been reported in the literature in individuals affected with EPG5-related conditions. Invitae Evidence Modeling of protein sequence and biophysical properties (such as structural, functional, and spatial information, amino acid conservation, physicochemical variation, residue mobility, and thermodynamic stability) indicates that this missense variant is expected to disrupt EPG5 protein function with a positive predictive value of 80%. In summary, the available evidence is currently insufficient to determine the role of this variant in disease. Therefore, it has been classified as a Variant of Uncertain Significance.

NM_020964.3(EPG5):c.5093T>C (p.Ile1698Thr)

Gene: EPG5 (ectopic P-granules 5 autophagy tethering factor; minus strand). Cytogenetic location: 18q12.3.
Variant type: single nucleotide variant.
Coding change: c.5093T>C on transcript NM_020964.3 (MANE Select); coding-DNA position 5093, T replaced by C.
Protein change: p.Ile1698Thr; replaces isoleucine 1698 with threonine.
Molecular consequence: missense variant.
Genome position (GRCh38, 1-based): chr18:45,887,767, A>G on the plus strand (T>C on the coding strand, the complement: EPG5 is on the minus strand). VCF-style: chr18-45887767-A-G. GRCh37 (hg19) VCF-style: chr18-43467732-A-G.
Other names: c.5093T>C, p.Ile1698Thr (NM_001410858.1, NM_001410859.1); short protein forms I1698T.
Identifiers: ClinVar variation 3674377 (VCV003674377.2).